The following is an entry in ClinVar:

NM_003680.4(YARS1):c.1197A>G (p.Pro399=)

Gene: YARS1 (tyrosyl-tRNA synthetase 1; minus strand). Cytogenetic location: 1p35.1.
Variant type: single nucleotide variant.
Coding change: c.1197A>G on transcript NM_003680.4 (MANE Select); coding-DNA position 1197, A replaced by G.
Protein change: p.Pro399=; no amino-acid change (proline 399 retained).
Molecular consequence: synonymous variant.
Genome position (GRCh38, 1-based): chr1:32,780,222, T>C on the plus strand (A>G on the coding strand, the complement: YARS1 is on the minus strand). VCF-style: chr1-32780222-T-C. GRCh37 (hg19) VCF-style: chr1-33245823-T-C.
Other names: p.Pro399=; c.1197A>G (NM_003680.3).
Identifiers: ClinVar variation 1681491 (VCV001681491.9), dbSNP rs768603403, ClinGen allele CA744958.

ClinVar aggregate classification (germline): Likely benign. Review status: criteria provided, multiple submitters, no conflicts (2 of 4 stars). 2 submissions from 2 submitters: Likely benign (2). Last evaluated 2025-08-14.

Conditions:
Charcot-Marie-Tooth disease dominant intermediate C (CMTDIC). Also called: CHARCOT-MARIE-TOOTH NEUROPATHY, DOMINANT INTERMEDIATE C. Identifiers: Orphanet 100045, MedGen C1842237, MONDO:0012012, OMIM 608323.

Allele frequency attached by ClinVar (database versions not stated): gnomAD 0.00001; gnomAD exomes 0.00001; TOPMed 0.00001; ExAC 0.00002.
gnomAD v4.1: 11 of 1,614,022 alleles (0.00068%); highest among the groups gnomAD compares: South Asian, 0.0011%; no homozygotes.

Submissions (2):

Mayo Clinic Laboratories, Mayo Clinic
Classification: Likely benign. Last evaluated: 2025-08-14. Review status: criteria provided, single submitter. Criteria: ACMG Guidelines, 2015. Collection method: clinical testing. Allele origin: germline. Observed: 1 variant allele.
Comment: BP4, BP7

Labcorp Genetics (formerly Invitae), Labcorp
Classification: Likely benign for Charcot-Marie-Tooth disease dominant intermediate C. Last evaluated: 2024-08-05. Review status: criteria provided, single submitter. Criteria: Invitae Variant Classification Sherloc (09022015). Collection method: clinical testing. Allele origin: germline.